The following is an entry in ClinVar:

ClinVar aggregate classification (germline): Benign/Likely benign. Review status: criteria provided, multiple submitters, no conflicts (2 of 4 stars). 9 submissions from 8 submitters: Benign (6); Likely benign (3). Last evaluated 2026-06-01.

Conditions:
Chondrodysplasia Blomstrand type (BOCD). Identifiers: Orphanet 50945, MedGen C1859148, MONDO:0008970, OMIM 215045.
Metaphyseal chondrodysplasia, Jansen type. Also called: PTH1R-Related Jansen Metaphyseal Chondrodysplasia; Metaphyseal chondrodysplasia Murk Jansen type. Identifiers: Orphanet 33067, MedGen C0265295, MONDO:0007982, OMIM 156400.
Connective tissue disorder. Also called: Connective tissue disease. Identifiers: MedGen C0009782, MONDO:0003900.

Allele frequency attached by ClinVar (database versions not stated): 1000 Genomes Project 30x 0.00828; 1000 Genomes Project 0.00859; ExAC 0.01661; gnomAD exomes 0.01669; gnomAD 0.01691 and 0.01765; TOPMed 0.01706; ESP Exome Variant Server 0.01822.
gnomAD v4.1: 38,276 of 1,613,942 alleles (2.4%); highest among the groups gnomAD compares: Non-Finnish European, 2.8%; 529 homozygotes.

Submissions (9):

CeGaT Center for Human Genetics Tuebingen
Classification: Benign. Last evaluated: 2026-06-01. Review status: criteria provided, single submitter. Criteria: CeGaT Center For Human Genetics Tuebingen Variant Classification Criteria Version 2. Collection method: clinical testing. Allele origin: germline. Affected: yes. Observed: 30 variant alleles.
Comment: PTH1R: BP4, BS1, BS2

Labcorp Genetics (formerly Invitae), Labcorp
Classification: Benign. Last evaluated: 2026-02-02. Review status: criteria provided, single submitter. Criteria: Invitae Variant Classification Sherloc (09022015). Collection method: clinical testing. Allele origin: germline.

Blueprint Genetics
Classification: Likely benign. Last evaluated: 2024-11-26. Review status: criteria provided, single submitter. Criteria: ACMG Guidelines, 2015. Collection method: clinical testing. Allele origin: germline.

ARUP Laboratories, Molecular Genetics and Genomics, ARUP Laboratories
Classification: Benign. Last evaluated: 2023-11-11. Review status: criteria provided, single submitter. Criteria: ARUP Molecular Germline Variant Investigation Process 2024. Collection method: clinical testing. Allele origin: germline.

GeneDx
Classification: Likely benign. Last evaluated: 2023-04-08. Review status: criteria provided, single submitter. Criteria: GeneDx Variant Classification Process June 2021. Collection method: clinical testing. Allele origin: germline. Affected: yes.
Comment: See Variant Classification Assertion Criteria.

Genome Diagnostics Laboratory, The Hospital for Sick Children
Classification: Benign for Connective tissue disorder. Last evaluated: 2022-05-12. Review status: criteria provided, single submitter. Criteria: ACMG Guidelines, 2015. Collection method: clinical testing. Allele origin: germline.

Illumina Laboratory Services, Illumina
Classification: Benign for Chondrodysplasia Blomstrand type. Last evaluated: 2018-01-12. Review status: criteria provided, single submitter. Criteria: ICSL Variant Classification Criteria 13 December 2019. Collection method: clinical testing. Allele origin: germline.
Comment: This variant was observed in the ICSL laboratory as part of a predisposition screen in an ostensibly healthy population. It had not been previously curated by ICSL or reported in the Human Gene Mutation Database (HGMD: prior to June 1st, 2018), and was therefore a candidate for classification through an automated scoring system. Utilizing variant allele frequency, disease prevalence and penetrance estimates, and inheritance mode, an automated score was calculated to assess if this variant is too frequent to cause the disease. Based on the score and internal cut-off values, a variant classified as benign is not then subjected to further curation. The score for this variant resulted in a classification of benign for this disease.

Illumina Laboratory Services, Illumina
Classification: Benign for Metaphyseal chondrodysplasia, Jansen type. Last evaluated: 2018-01-12. Review status: criteria provided, single submitter. Criteria: ICSL Variant Classification Criteria 13 December 2019. Collection method: clinical testing. Allele origin: germline.
Comment: the same text as in the submission from Illumina Laboratory Services, Illumina above.

Breakthrough Genomics
Classification: Likely benign. Review status: criteria provided, single submitter. Criteria: ACMG Guidelines, 2015. Collection method: not provided. Allele origin: germline. Inheritance: Autosomal recessive inheritance. Affected: yes.

NM_000316.3(PTH1R):c.1636G>A (p.Glu546Lys)

Gene: PTH1R (parathyroid hormone 1 receptor; plus strand). Cytogenetic location: 3p21.31.
Variant type: single nucleotide variant.
Coding change: c.1636G>A on transcript NM_000316.3 (MANE Select); coding-DNA position 1636, G replaced by A.
Protein change: p.Glu546Lys; replaces glutamic acid 546 with lysine.
Molecular consequence: missense variant.
Genome position (GRCh38, 1-based): chr3:46,903,510, G>A. VCF-style: chr3-46903510-G-A. GRCh37 (hg19) VCF-style: chr3-46945000-G-A.
Other names: c.1636G>A, p.Glu546Lys (NM_001184744.1); short protein forms E546K.
Identifiers: ClinVar variation 345600 (VCV000345600.57), dbSNP rs77048718, ClinGen allele CA2359591.